The following is an entry in ClinVar:

ClinVar aggregate classification (germline): Likely benign. Review status: criteria provided, multiple submitters, no conflicts (2 of 4 stars). 4 submissions from 4 submitters: Likely benign (4). Last evaluated 2026-01-26.

Conditions:
Neurofibromatosis, type 1 (NF1). Also called: Peripheral type neurofibromatosis; VON RECKLINGHAUSEN DISEASE; NEUROFIBROMATOSIS, TYPE I, SOMATIC; Neurofibromatosis, type I. Identifiers: Orphanet 636, MedGen C0027831, MONDO:0018975, OMIM 162200. Disease mechanism: loss of function.

Allele frequency attached by ClinVar (database versions not stated): gnomAD 0.00001; gnomAD exomes 0.00001; TOPMed 0.00002.
gnomAD v4.1: 22 of 1,613,156 alleles (0.0014%); highest among the groups gnomAD compares: Admixed American, 0.0033%; no homozygotes.

Submissions (4):

Labcorp Genetics (formerly Invitae), Labcorp
Classification: Likely benign for Neurofibromatosis, type 1. Last evaluated: 2026-01-26. Review status: criteria provided, single submitter. Criteria: Invitae Variant Classification Sherloc (09022015). Collection method: clinical testing. Allele origin: germline.

Women's Health and Genetics/Laboratory Corporation of America, LabCorp
Classification: Likely benign. Last evaluated: 2024-04-01. Review status: criteria provided, single submitter. Criteria: LabCorp Variant Classification Summary - May 2015. Collection method: clinical testing. Allele origin: germline.
Comment: Variant summary: NF1 c.4110+14T>C alters a non-conserved nucleotide located at a position not widely known to affect splicing. Consensus agreement among computation tools predict no significant impact on normal splicing. However, these predictions have yet to be confirmed by functional studies. The variant allele was found at a frequency of 1.2e-05 in 251252 control chromosomes. The available data on variant occurrences in the general population are insufficient to allow any conclusion about variant significance. To our knowledge, no occurrence of c.4110+14T>C in individuals affected with Neurofibromatosis Type 1 and no experimental evidence demonstrating its impact on protein function have been reported. ClinVar contains an entry for this variant (Variation ID: 513675). Based on the evidence outlined above, the variant was classified as likely benign.

Genome-Nilou Lab
Classification: Likely benign for Neurofibromatosis, type 1. Last evaluated: 2022-03-15. Review status: criteria provided, single submitter. Criteria: ACMG Guidelines, 2015. Collection method: clinical testing. Allele origin: germline. Affected: no.

GeneDx
Classification: Likely benign. Last evaluated: 2017-11-28. Review status: criteria provided, single submitter. Criteria: GeneDx Variant Classification (06012015). Collection method: clinical testing. Allele origin: germline. Affected: yes.
Comment: This variant is considered likely benign or benign based on one or more of the following criteria: it is a conservative change, it occurs at a poorly conserved position in the protein, it is predicted to be benign by multiple in silico algorithms, and/or has population frequency not consistent with disease.

Literature cited by the submitters: PubMed 10678181 (cited by Women's Health and Genetics/Laboratory Corporation of America, LabCorp); PubMed 23460398 (cited by Women's Health and Genetics/Laboratory Corporation of America, LabCorp); PubMed 29872168 (cited by Women's Health and Genetics/Laboratory Corporation of America, LabCorp).

NM_001042492.3(NF1):c.4110+14T>C

Gene: NF1 (neurofibromin 1; plus strand). Cytogenetic location: 17q11.2.
Variant type: single nucleotide variant.
Coding change: c.4110+14T>C on transcript NM_001042492.3 (MANE Select); 14 bases into the intron after coding-DNA position 4110, T replaced by C.
Molecular consequence: intron variant.
Genome position (GRCh38, 1-based): chr17:31,249,133, T>C. VCF-style: chr17-31249133-T-C. GRCh37 (hg19) VCF-style: chr17-29576151-T-C.
Other names: c.4110+14T>C (NM_000267.4).
Identifiers: ClinVar variation 513675 (VCV000513675.9), dbSNP rs1019229165, ClinGen allele CA289346849.